The following is an entry in ClinVar:

NM_032638.5(GATA2):c.1A>T (p.Met1Leu)

Gene: GATA2 (GATA binding protein 2; minus strand). Cytogenetic location: 3q21.3.
Variant type: single nucleotide variant.
Coding change: c.1A>T on transcript NM_032638.5 (MANE Select); coding-DNA position 1, A replaced by T.
Protein change: p.Met1Leu; changes the start codon (methionine 1).
Molecular consequence: missense variant, initiator codon variant.
Genome position (GRCh38, 1-based): chr3:128,487,031, T>A on the plus strand (A>T on the coding strand, the complement: GATA2 is on the minus strand). VCF-style: chr3-128487031-T-A. GRCh37 (hg19) VCF-style: chr3-128205874-T-A.
Other names: c.1A>T, p.Met1Leu (NM_001145661.2, NM_001145662.1); short protein forms M1L.
Identifiers: ClinVar variation 4620611 (VCV004620611.1).

ClinVar aggregate classification (germline): Uncertain significance (1 of 4 stars; one submission).

Conditions:
Inborn genetic diseases. Identifiers: MedGen C0950123, MeSH D030342.

Submission:

Ambry Genetics
Classification: Uncertain significance for Inborn genetic diseases. Last evaluated: 2025-10-15. Review status: criteria provided, single submitter. Criteria: Ambry Variant Classification Scheme 2023. Collection method: clinical testing. Allele origin: germline.
Comment: The p.M1? variant (also known as c.1A>T) is located in coding exon 1 of the GATA2 gene and results from a A to T substitution at nucleotide position 1. This alters the methionine residue at the initiation codon (ATG). Variations that modify the initiation codon (ATG) are expected to result in either loss of translation initiation, N-terminal truncation, or cause a shift in the mRNA reading frame; however, there is an in-frame methionine 11 amino acids from the initiation site, which may result in N-terminal truncation of unknown functional significance. Based on the available evidence, the clinical significance of this variant remains unclear.